The following is an entry in ClinVar:

NM_000059.4(BRCA2):c.9130A>G (p.Ile3044Val)

Gene: BRCA2 (BRCA2 DNA repair associated; plus strand). Cytogenetic location: 13q13.1.
Variant type: single nucleotide variant.
Coding change: c.9130A>G on transcript NM_000059.4 (MANE Select); coding-DNA position 9130, A replaced by G.
Protein change: p.Ile3044Val; replaces isoleucine 3044 with valine.
Molecular consequence: missense variant.
Genome position (GRCh38, 1-based): chr13:32,380,019, A>G. VCF-style: chr13-32380019-A-G. GRCh37 (hg19) VCF-style: chr13-32954156-A-G.
Other names: short protein forms I3044V.
Identifiers: ClinVar variation 383851 (VCV000383851.4), dbSNP rs1057521760, ClinGen allele CA16606834.

ClinVar aggregate classification (germline): Conflicting classifications of pathogenicity. Review status: criteria provided, conflicting classifications (1 of 4 stars). 3 submissions from 3 submitters: Uncertain significance (2); Likely benign (1). Last evaluated 2026-05-08.

Conditions:
Hereditary cancer-predisposing syndrome. Also called: Hereditary Cancer Syndrome; Tumor predisposition; Hereditary neoplastic syndrome; Neoplastic Syndromes, Hereditary. Identifiers: Orphanet 140162, MedGen C0027672, MeSH D009386, MONDO:0015356.
Hereditary breast ovarian cancer syndrome. Also called: Hereditary breast and ovarian cancer syndrome; Hereditary breast and/or ovarian cancer syndrome; Hereditary breast and ovarian cancer syndrome (HBOC); Hereditary breast and ovarian cancer; Breast and ovarian cancer; BRCA1- and BRCA2-Associated Hereditary Breast and Ovarian Cancer. Identifiers: Orphanet 145, MedGen C0677776, MeSH D061325, MONDO:0003582. Disease mechanism: loss of function.

Submissions (3):

Ambry Genetics
Classification: Uncertain significance for Hereditary cancer-predisposing syndrome. Last evaluated: 2026-05-08. Review status: criteria provided, single submitter. Criteria: Ambry Variant Classification Scheme 2023. Collection method: clinical testing. Allele origin: germline.
Comment: The p.I3044V variant (also known as c.9130A>G), located in coding exon 23 of the BRCA2 gene, results from an A to G substitution at nucleotide position 9130. The isoleucine at codon 3044 is replaced by valine, an amino acid with highly similar properties. The results from two saturation genome editing-based studies, including a haploid cell-survival assay and a humanized mouse embryonic stem cell line assay of drug response and survival, are discordant for this nucleotide substitution (Huang H et al. Nature. 2025 Feb;638(8050):528-537; Sahu S et al. Nature. 2025 Feb;638(8050):538-545). This amino acid position is not well conserved in available vertebrate species. In addition, this alteration is predicted to be tolerated by in silico analysis. Based on the available evidence, the clinical significance of this variant remains unclear.

Labcorp Genetics (formerly Invitae), Labcorp
Classification: Uncertain significance for Hereditary breast ovarian cancer syndrome. Last evaluated: 2024-07-28. Review status: criteria provided, single submitter. Criteria: Invitae Variant Classification Sherloc (09022015). Collection method: clinical testing. Allele origin: germline.
Comment: This sequence change replaces isoleucine, which is neutral and non-polar, with valine, which is neutral and non-polar, at codon 3044 of the BRCA2 protein (p.Ile3044Val). This variant is not present in population databases (gnomAD no frequency). This variant has not been reported in the literature in individuals affected with BRCA2-related conditions. ClinVar contains an entry for this variant (Variation ID: 383851). Advanced modeling of protein sequence and biophysical properties (such as structural, functional, and spatial information, amino acid conservation, physicochemical variation, residue mobility, and thermodynamic stability) performed at Invitae indicates that this missense variant is not expected to disrupt BRCA2 protein function with a negative predictive value of 95%. In summary, the available evidence is currently insufficient to determine the role of this variant in disease. Therefore, it has been classified as a Variant of Uncertain Significance.

GeneDx
Classification: Likely benign. Last evaluated: 2016-02-17. Review status: criteria provided, single submitter. Criteria: GeneDx Variant Classification (06012015). Collection method: clinical testing. Allele origin: germline. Affected: yes.
Comment: This variant is considered likely benign or benign based on one or more of the following criteria: it is a conservative change, it occurs at a poorly conserved position in the protein, it is predicted to be benign by multiple in silico algorithms, and/or has population frequency not consistent with disease.